The following is an entry in ClinVar:

NM_002838.5(PTPRC):c.3667G>T (p.Asp1223Tyr)

Gene: PTPRC (protein tyrosine phosphatase receptor type C; plus strand). Cytogenetic location: 1q32.1.
Variant type: single nucleotide variant.
Coding change: c.3667G>T on transcript NM_002838.5 (MANE Select); coding-DNA position 3667, G replaced by T.
Protein change: p.Asp1223Tyr; replaces aspartic acid 1223 with tyrosine.
Molecular consequence: missense variant.
Genome position (GRCh38, 1-based): chr1:198,755,927, G>T. VCF-style: chr1-198755927-G-T. GRCh37 (hg19) VCF-style: chr1-198725056-G-T.
Other names: c.3184G>T, p.Asp1062Tyr (NM_080921.4); short protein forms D1062Y, D1223Y.
Identifiers: ClinVar variation 4848751 (VCV004848751.1).

ClinVar aggregate classification (germline): Uncertain significance (1 of 4 stars; one submission).

gnomAD v4.1: 2 of 1,611,412 alleles (0.00012%); highest among the groups gnomAD compares: Non-Finnish European, 0.00017%; no homozygotes.

Submission:

Women's Health and Genetics/Laboratory Corporation of America, LabCorp
Classification: Uncertain significance. Last evaluated: 2026-04-08. Review status: criteria provided, single submitter. Criteria: LabCorp Variant Classification Summary - May 2015. Collection method: clinical testing. Allele origin: germline.
Comment: Variant summary: PTPRC c.3667G>T (p.Asp1223Tyr) results in a non-conservative amino acid change in the encoded protein sequence. Algorithms developed to predict the effect of missense changes on protein structure and function all suggest that this variant is likely to be disruptive. The variant was absent in 250260 control chromosomes. The available data on variant occurrences in the general population are insufficient to allow any conclusion about variant significance. To our knowledge, no occurrence of c.3667G>T in individuals affected with PTPRC-related conditions and no experimental evidence demonstrating its impact on protein function have been reported. No submitters have cited clinical-significance assessments for this variant to ClinVar. Based on the evidence outlined above, the variant was classified as uncertain significance.